The following is an entry in ClinVar:

ClinVar aggregate classification (germline): Uncertain significance (1 of 4 stars; one submission).

Conditions:
Wiskott-Aldrich syndrome 2 (WAS2). Also called: WIPF1 DEFICIENCY. Identifiers: Orphanet 906, MedGen C3281001, MONDO:0013779, OMIM 614493.

Allele frequency attached by ClinVar (database versions not stated): gnomAD exomes below 0.00001; gnomAD 0.00001; TOPMed 0.00001.
gnomAD v4.1: 5 of 1,614,046 alleles (0.00031%); highest among the groups gnomAD compares: Non-Finnish European, 0.00034%; no homozygotes.

Submission:

Labcorp Genetics (formerly Invitae), Labcorp
Classification: Uncertain significance for Wiskott-Aldrich syndrome 2. Last evaluated: 2023-07-29. Review status: criteria provided, single submitter. Criteria: Invitae Variant Classification Sherloc (09022015). Collection method: clinical testing. Allele origin: germline.
Comment: This sequence change replaces alanine, which is neutral and non-polar, with valine, which is neutral and non-polar, at codon 138 of the WIPF1 protein (p.Ala138Val). This variant is not present in population databases (gnomAD no frequency). This variant has not been reported in the literature in individuals affected with WIPF1-related conditions. ClinVar contains an entry for this variant (Variation ID: 1004746). An algorithm developed to predict the effect of missense changes on protein structure and function (PolyPhen-2) suggests that this variant¬†is likely to be tolerated. In summary, the available evidence is currently insufficient to determine the role of this variant in disease. Therefore, it has been classified as a Variant of Uncertain Significance.

NM_001375834.1(WIPF1):c.413C>T (p.Ala138Val)

Gene: WIPF1 (WAS/WASL interacting protein family member 1; minus strand). Cytogenetic location: 2q31.1.
Variant type: single nucleotide variant.
Coding change: c.413C>T on transcript NM_001375834.1 (MANE Select); coding-DNA position 413, C replaced by T.
Protein change: p.Ala138Val; replaces alanine 138 with valine.
Molecular consequence: missense variant. On other transcripts: intron variant (1).
Genome position (GRCh38, 1-based): chr2:174,572,392, G>A on the plus strand (C>T on the coding strand, the complement: WIPF1 is on the minus strand). VCF-style: chr2-174572392-G-A. GRCh37 (hg19) VCF-style: chr2-175437120-G-A.
Other names: c.413C>T, p.Ala138Val (NM_001077269.1, NM_001375832.1, NM_001375833.1 and 5 more transcripts); c.182-147C>T (NM_001375839.1); short protein forms A138V.
Identifiers: ClinVar variation 1004746 (VCV001004746.5), dbSNP rs1684901977, ClinGen allele CA349343764.